The following is an entry in ClinVar:

ClinVar aggregate classification (germline): Likely pathogenic (1 of 4 stars; one submission).

gnomAD v4.1: 1 of 1,614,028 alleles (0.000062%); highest among the groups gnomAD compares: Non-Finnish European, 0.000085%; no homozygotes.

Submission:

GeneDx
Classification: Likely pathogenic. Last evaluated: 2026-07-23. Review status: criteria provided, single submitter. Criteria: GeneDx Variant Classification Process June 2021. Collection method: clinical testing. Allele origin: germline.
Comment: Canonical splice site variant predicted to result in an in-frame loss of the adjacent exon in a gene for which loss of function is a known mechanism of disease; Not observed at significant frequency in large population cohorts (gnomAD); Has not been previously published as pathogenic or benign to our knowledge

NM_003660.4(PPFIA3):c.241-1G>A

Gene: PPFIA3 (PPFI scaffold protein A3; plus strand). Cytogenetic location: 19q13.33.
Variant type: single nucleotide variant.
Coding change: c.241-1G>A on transcript NM_003660.4 (MANE Select); the canonical splice acceptor site of the intron before coding-DNA position 241, G replaced by A.
Molecular consequence: splice acceptor variant.
Genome position (GRCh38, 1-based): chr19:49,128,366, G>A. VCF-style: chr19-49128366-G-A. GRCh37 (hg19) VCF-style: chr19-49631623-G-A.
Identifiers: ClinVar variation 3369138 (VCV003369138.2).